The following is an entry in ClinVar:

ClinVar aggregate classification (germline): Pathogenic (1 of 4 stars; one submission).

Conditions:
Spastic paraplegia. Identifiers: MedGen C0037772, HP:0001258.

Submission:

Labcorp Genetics (formerly Invitae), Labcorp
Classification: Pathogenic for Spastic paraplegia. Last evaluated: 2022-11-01. Review status: criteria provided, single submitter. Criteria: Invitae Variant Classification Sherloc (09022015). Collection method: clinical testing. Allele origin: germline.
Comment: This variant has not been reported in the literature in individuals affected with AP4S1-related conditions. This variant is present in population databases (no rsID available, gnomAD 0.003%). This sequence change creates a premature translational stop signal (p.Glu34Serfs*11) in the AP4S1 gene. It is expected to result in an absent or disrupted protein product. Loss-of-function variants in AP4S1 are known to be pathogenic (PMID: 21620353, 25552650, 27444738). ClinVar contains an entry for this variant (Variation ID: 1423253). For these reasons, this variant has been classified as Pathogenic.

Literature cited by the submitters: PubMed 21620353; PubMed 25552650; PubMed 27444738.

NM_001128126.3(AP4S1):c.100_101del (p.Glu34fs)

Gene: AP4S1 (adaptor related protein complex 4 subunit sigma 1; plus strand). Cytogenetic location: 14q12.
Variant type: Deletion.
Coding change: c.100_101del on transcript NM_001128126.3 (MANE Select); coding-DNA positions 100 to 101, 2 bases deleted (GA; older notation c.100_101delGA).
Protein change: p.Glu34fs; shifts the reading frame from glutamic acid 34.
Molecular consequence: frameshift variant.
Genome position (GRCh38, 1-based): chr14:31,066,296-31,066,297, GA deleted; deleting any 2 consecutive bases within chr14:31,066,295-31,066,297 gives the same sequence; the c. name uses the placement nearest the transcript's 3' end. VCF-style (leftmost placement, unchanged base first): chr14-31066294-CAG-C. GRCh37 (hg19) VCF-style: chr14-31535500-CAG-C.
Other names: c.100_101del, p.Glu34fs (NM_001254726.2, NM_001254727.2, NM_001254728.2 and 2 more transcripts); short protein forms E34fs.
Identifiers: ClinVar variation 1423253 (VCV001423253.6), dbSNP rs1566532837, ClinGen allele CA612992835.
Genomic context (GRCh38, chr14:31,066,294, plus strand): 5'-AGACTCGACTTTCTAAGTACTATGAACATGTGGATATTAATAAGCGTACACTTCTGGAAA[CAG>C]AAGTCATAAAGAGCTGTCTCTCTCGATCCAATGAACAAGTAAGTCTCTGGTTCTCTCTTT-3'